The following is an entry in ClinVar:

NM_002788.4(PSMA3):c.659-3C>T

Genes: PSMA3 (proteasome 20S subunit alpha 3; plus strand), PSMA3-AS1 (PSMA3 antisense RNA 1; minus strand). Cytogenetic location: 14q23.1.
Variant type: single nucleotide variant.
Coding change: c.659-3C>T on transcript NM_002788.4 (MANE Select); 3 bases into the intron before coding-DNA position 659, C replaced by T.
Molecular consequence: intron variant.
Genome position (GRCh38, 1-based): chr14:58,270,931, C>T. VCF-style: chr14-58270931-C-T. GRCh37 (hg19) VCF-style: chr14-58737649-C-T.
Other names: c.638-3C>T (NM_152132.3).
Identifiers: ClinVar variation 2084687 (VCV002084687.4), dbSNP rs778270613, ClinGen allele CA7203894.

ClinVar aggregate classification (germline): Uncertain significance (1 of 4 stars; one submission).

Allele frequency attached by ClinVar (database versions not stated): gnomAD exomes 0.00002; gnomAD 0.00003; ExAC 0.00004; TOPMed 0.00006.
gnomAD v4.1: 33 of 1,594,406 alleles (0.0021%); highest among the groups gnomAD compares: Middle Eastern, 0.018%; no homozygotes.

Submission:

Labcorp Genetics (formerly Invitae), Labcorp
Classification: Uncertain significance. Last evaluated: 2025-01-12. Review status: criteria provided, single submitter. Criteria: Invitae Variant Classification Sherloc (09022015). Collection method: clinical testing. Allele origin: germline.
Comment: This sequence change falls in intron 9 of the PSMA3 gene. It does not directly change the encoded amino acid sequence of the PSMA3 protein. It affects a nucleotide within the consensus splice site. This variant is present in population databases (rs778270613, gnomAD 0.007%). This variant has not been reported in the literature in individuals affected with PSMA3-related conditions. ClinVar contains an entry for this variant (Variation ID: 2084687). Variants that disrupt the consensus splice site are a relatively common cause of aberrant splicing (PMID: 17576681, 9536098). Algorithms developed to predict the effect of sequence changes on RNA splicing suggest that this variant may disrupt the consensus splice site. In summary, the available evidence is currently insufficient to determine the role of this variant in disease. Therefore, it has been classified as a Variant of Uncertain Significance.

Literature cited by the submitters: PubMed 17576681; PubMed 9536098.